The following is an entry in ClinVar:

NM_002485.5(NBN):c.2086G>A (p.Ala696Thr)

Gene: NBN (nibrin; minus strand). Cytogenetic location: 8q21.3.
Variant type: single nucleotide variant.
Coding change: c.2086G>A on transcript NM_002485.5 (MANE Select); coding-DNA position 2086, G replaced by A.
Protein change: p.Ala696Thr; replaces alanine 696 with threonine.
Molecular consequence: missense variant.
Genome position (GRCh38, 1-based): chr8:89,943,351, C>T on the plus strand (G>A on the coding strand, the complement: NBN is on the minus strand). VCF-style: chr8-89943351-C-T. GRCh37 (hg19) VCF-style: chr8-90955579-C-T.
Other names: c.1840G>A, p.Ala614Thr (NM_001024688.3); short protein forms A614T, A696T.
Identifiers: ClinVar variation 650200 (VCV000650200.15), dbSNP rs749276965, ClinGen allele CA4802604.
Genomic context (GRCh38, chr8:89,943,351, plus strand): 5'-TCTTTCGAGCATGATGAGCTATTAGATCTGATCCTCCAATGATGTGTGGAAGTTTTCCTG[C>T]TCCAGGATATGTGACCTATTGAATAATAAAAGTAGTACAGTAAATCATATTAACAAACAA-3'
Protein context (NP_002476.2, residues 686-706): KKFKKVTYPG[Ala696Thr]GKLPHIIGGS

ClinVar aggregate classification (germline): Uncertain significance. Review status: criteria provided, multiple submitters, no conflicts (2 of 4 stars). 3 submissions from 3 submitters: Uncertain significance (2). 1 of the submissions does not count toward it. Last evaluated 2022-09-01.

Conditions:
Hereditary cancer-predisposing syndrome. Also called: Hereditary Cancer Syndrome; Tumor predisposition; Neoplastic Syndromes, Hereditary; Hereditary neoplastic syndrome. Identifiers: Orphanet 140162, MedGen C0027672, MeSH D009386, MONDO:0015356.
Microcephaly, normal intelligence and immunodeficiency (NBS). Also called: BERLIN BREAKAGE SYNDROME; Nijmegen breakage syndrome; Microcephaly with normal intelligence immunodeficiency and lymphoreticular malignancies; Nonsyndromal microcephaly autosomal recessive with normal intelligence; Seemanova syndrome 2; SEEMANOVA SYNDROME II. Identifiers: Orphanet 647, MedGen C0398791, MONDO:0009623, OMIM 251260.

Allele frequency attached by ClinVar (database versions not stated): gnomAD exomes below 0.00001 and 0.00002; ExAC 0.00002.
gnomAD v4.1: 5 of 1,605,126 alleles (0.00031%); highest among the groups gnomAD compares: Non-Finnish European, 0.000085%; no homozygotes.

Submissions (3):

Labcorp Genetics (formerly Invitae), Labcorp
Classification: Uncertain significance for Microcephaly, normal intelligence and immunodeficiency. Last evaluated: 2022-09-01. Review status: criteria provided, single submitter. Criteria: Invitae Variant Classification Sherloc (09022015). Collection method: clinical testing. Allele origin: germline.
Comment: In summary, the available evidence is currently insufficient to determine the role of this variant in disease. Therefore, it has been classified as a Variant of Uncertain Significance. Algorithms developed to predict the effect of missense changes on protein structure and function are either unavailable or do not agree on the potential impact of this missense change (SIFT: "Tolerated"; PolyPhen-2: "Probably Damaging"; Align-GVGD: "Class C0"). ClinVar contains an entry for this variant (Variation ID: 650200). This variant has not been reported in the literature in individuals affected with NBN-related conditions. This variant is present in population databases (rs749276965, gnomAD 0.03%). This sequence change replaces alanine, which is neutral and non-polar, with threonine, which is neutral and polar, at codon 696 of the NBN protein (p.Ala696Thr).

Ambry Genetics
Classification: Uncertain significance for Hereditary cancer-predisposing syndrome. Last evaluated: 2022-05-24. Review status: criteria provided, single submitter. Criteria: Ambry Variant Classification Scheme 2023. Collection method: clinical testing. Allele origin: germline.
Comment: The p.A696T variant (also known as c.2086G>A), located in coding exon 14 of the NBN gene, results from a G to A substitution at nucleotide position 2086. The alanine at codon 696 is replaced by threonine, an amino acid with similar properties. This amino acid position is highly conserved in available vertebrate species. In addition, the in silico prediction for this alteration is inconclusive. Since supporting evidence is limited at this time, the clinical significance of this alteration remains unclear.

Natera, Inc.
Classification: Uncertain significance for Nijmegen breakage syndrome. Last evaluated: 2020-02-26. Review status: no assertion criteria provided. Collection method: clinical testing. Allele origin: germline. Not counted in ClinVar's aggregate classification.